The following is an entry in ClinVar:

ClinVar aggregate classification (germline): Uncertain significance (1 of 4 stars; one submission).

Allele frequency attached by ClinVar (database versions not stated): gnomAD exomes below 0.00001.

Submission:

GeneDx
Classification: Uncertain significance. Last evaluated: 2014-04-15. Review status: criteria provided, single submitter. Criteria: GeneDx Variant Classification (06012015). Collection method: clinical testing. Allele origin: germline. Affected: yes.
Comment: This variant is denoted p.Glu381Gly: c.1142 A>G in the KANSL1 gene (NM_001193466.1). The E381G variant has not been published as a mutation, nor has it been reported as a benign polymorphism to our knowledge. It was not observed in approximately 6,500 individuals of European and African American ancestry in the NHLBI Exome Sequencing Project, indicating it is not a common benign variant in these populations. The E381G variant is a non-conservative amino acid substitution, which is likely to impact secondary protein structure as these residues differ in polarity, charge, size and/or other properties. This substitution occurs at a position that is conserved across species. However, in silico analysis predicts this variant likely does not alter the protein structure/function. Therefore, based on the currently available information, it is unclear whether this variant is a pathogenic mutation or a rare benign variant. The variant is found in EPILEPSY panel(s).

NM_015443.4(KANSL1):c.1142A>G (p.Glu381Gly)

Gene: KANSL1 (KAT8 regulatory NSL complex subunit 1). Cytogenetic location: 17q21.31.
Variant type: single nucleotide variant.
Coding change: c.1142A>G on transcript NM_015443.4 (MANE Select); coding-DNA position 1142, A replaced by G.
Protein change: p.Glu381Gly; replaces glutamic acid 381 with glycine.
Molecular consequence: missense variant.
Genome position (GRCh38, 1-based): chr17:46,171,002, T>C on the plus strand (A>G on the coding strand, the complement: KANSL1 is on the minus strand). VCF-style: chr17-46171002-T-C. GRCh37 (hg19) VCF-style: chr17-44248368-T-C.
Other names: p.E381G:GAG>GGG; c.1142A>G, p.Glu381Gly (NM_001193465.2, NM_001193466.2, NM_001379198.1); short protein forms E381G.
Identifiers: ClinVar variation 205810 (VCV000205810.2), dbSNP rs796052602, ClinGen allele CA315247.